The following is an entry in ClinVar:

NM_001286445.3(RIPOR2):c.1292C>G (p.Ser431Cys)

Gene: RIPOR2 (RHO family interacting cell polarization regulator 2; minus strand). Cytogenetic location: 6p22.3.
Variant type: single nucleotide variant.
Coding change: c.1292C>G on transcript NM_001286445.3 (MANE Select); coding-DNA position 1292, C replaced by G.
Protein change: p.Ser431Cys; replaces serine 431 with cysteine.
Molecular consequence: missense variant.
Genome position (GRCh38, 1-based): chr6:24,843,427, G>C on the plus strand (C>G on the coding strand, the complement: RIPOR2 is on the minus strand). VCF-style: chr6-24843427-G-C. GRCh37 (hg19) VCF-style: chr6-24843655-G-C.
Other names: c.1307C>G, p.Ser436Cys (NM_001286446.3); c.1205C>G, p.Ser402Cys (NM_001286447.2, NM_001346031.2, NM_001346032.2 and 1 more transcripts); c.1355C>G, p.Ser452Cys (NM_014722.5); short protein forms S452C, S402C, S436C, S431C.
Identifiers: ClinVar variation 508152 (VCV000508152.15), dbSNP rs34298086, ClinGen allele CA3659270.
Genomic context (GRCh38, chr6:24,843,427, plus strand): 5'-GCCAAGCTGCTGAGGTTAAACTCCGCAGGGGTGATGGTAATTTCTGGATTTGTTGAGTTG[G>C]AAGGGGAGCCTGTTGAGTGGGAGGTGAGGGCGCAGTCCCCGTTGGGCAGGTCACTGAAGC-3'
Protein context (NP_001273374.1, residues 421-441): ALTSHSTGSP[Ser431Cys]NSTNPEITIT

ClinVar aggregate classification (germline): Benign. Review status: criteria provided, multiple submitters, no conflicts (2 of 4 stars). 5 submissions from 5 submitters: Benign (5). Last evaluated 2026-02-01.

Allele frequency attached by ClinVar (database versions not stated): gnomAD 0.02703; 1000 Genomes Project 0.03095; 1000 Genomes Project 30x 0.03232; ESP Exome Variant Server 0.03382; TOPMed 0.03585.
gnomAD v4.1: 23,253 of 1,613,318 alleles (1.4%); highest among the groups gnomAD compares: African/African-American, 8.4%; 433 homozygotes.

Submissions (5):

Labcorp Genetics (formerly Invitae), Labcorp
Classification: Benign. Last evaluated: 2026-02-01. Review status: criteria provided, single submitter. Criteria: Invitae Variant Classification Sherloc (09022015). Collection method: clinical testing. Allele origin: germline.

Mayo Clinic Laboratories, Mayo Clinic
Classification: Benign. Last evaluated: 2021-04-09. Review status: criteria provided, single submitter. Criteria: ACMG Guidelines, 2015. Collection method: clinical testing. Allele origin: germline. Observed: 4 variant alleles.

Athena Diagnostics
Classification: Benign. Last evaluated: 2019-03-30. Review status: criteria provided, single submitter. Criteria: Athena Diagnostics Criteria. Collection method: clinical testing. Allele origin: germline.

GeneDx
Classification: Benign. Last evaluated: 2017-08-25. Review status: criteria provided, single submitter. Criteria: GeneDx Variant Classification (06012015). Collection method: clinical testing. Allele origin: germline. Affected: yes.
Comment: This variant is considered likely benign or benign based on one or more of the following criteria: it is a conservative change, it occurs at a poorly conserved position in the protein, it is predicted to be benign by multiple in silico algorithms, and/or has population frequency not consistent with disease.

Laboratory for Molecular Medicine, Mass General Brigham Personalized Medicine
Classification: Benign. Last evaluated: 2017-08-23. Review status: criteria provided, single submitter. Criteria: LMM Criteria. Collection method: clinical testing. Allele origin: germline. Observed: 8 variant alleles.
Comment: p.Ser452Cys in exon 14 of FAM65B: This variant is not expected to have clinical significance because it has been identified in 8.66% (848/9796) of African chrom osomes by the Exome Aggregation Consortium (ExAC ; dbSNP rs34298086).